The following is an entry in ClinVar:

NM_006185.4(NUMA1):c.4740C>T (p.Gly1580=)

Gene: NUMA1 (nuclear mitotic apparatus protein 1; minus strand). Cytogenetic location: 11q13.4.
Variant type: single nucleotide variant.
Coding change: c.4740C>T on transcript NM_006185.4 (MANE Select); coding-DNA position 4740, C replaced by T.
Protein change: p.Gly1580=; no amino-acid change (glycine 1580 retained).
Molecular consequence: synonymous variant. On other transcripts: non-coding transcript variant (1).
Genome position (GRCh38, 1-based): chr11:72,009,367, G>A on the plus strand (C>T on the coding strand, the complement: NUMA1 is on the minus strand). VCF-style: chr11-72009367-G-A. GRCh37 (hg19) VCF-style: chr11-71720413-G-A.
Other names: c.4698C>T, p.Gly1566= (NM_001286561.2).
Identifiers: ClinVar variation 3045754 (VCV003045754.2), dbSNP rs373783724, ClinGen allele CA6166972.
Genomic context (GRCh38, chr11:72,009,367, plus strand): 5'-CAACTGGGCTTGCAGTTCATTCAGCTGGGCCTGGAGGCGCTGGGCCTCCTGCTGGCTCTC[G>A]CCTCCCTGAGCCTGGACAGCCTGAGAAGAAAGGCCACTCAGGAAAGCTGGTCTGGCCGCT-3'
Protein context (NP_006176.2, residues 1570-1590): QKLKAVQAQG[Gly1580=]ESQQEAQRLQ

ClinVar aggregate classification (germline): Likely benign (0 of 4 stars; one submission).

Conditions:
NUMA1-related disorder. Also called: NUMA1-related condition.

Allele frequency attached by ClinVar (database versions not stated): gnomAD 0.00002; ExAC 0.00005; ESP Exome Variant Server 0.00008.
gnomAD v4.1: 68 of 1,609,270 alleles (0.0042%); highest among the groups gnomAD compares: Non-Finnish European, 0.0048%; no homozygotes.

Submission:

PreventionGenetics, part of Exact Sciences
Classification: Likely benign for NUMA1-related condition. Last evaluated: 2019-10-03. Review status: no assertion criteria provided. Collection method: clinical testing. Allele origin: germline.
Comment: This variant is classified as likely benign based on ACMG/AMP sequence variant interpretation guidelines (Richards et al. 2015 PMID: 25741868, with internal and published modifications).